The following is an entry in ClinVar:

NM_001098511.3(KIF2A):c.579A>G (p.Pro193=)

Gene: KIF2A (kinesin family member 2A; plus strand). Cytogenetic location: 5q12.1.
Variant type: single nucleotide variant.
Coding change: c.579A>G on transcript NM_001098511.3 (MANE Select); coding-DNA position 579, A replaced by G.
Protein change: p.Pro193=; no amino-acid change (proline 193 retained).
Molecular consequence: synonymous variant.
Genome position (GRCh38, 1-based): chr5:62,355,179, A>G. VCF-style: chr5-62355179-A-G. GRCh37 (hg19) VCF-style: chr5-61651006-A-G.
Other names: c.498A>G, p.Pro166= (NM_001243952.2); c.522A>G, p.Pro174= (NM_001243953.2); c.579A>G, p.Pro193= (NM_004520.5).
Identifiers: ClinVar variation 2747917 (VCV002747917.23), dbSNP rs1015320910, ClinGen allele CA120080994.

ClinVar aggregate classification (germline): Likely benign. Review status: criteria provided, multiple submitters, no conflicts (2 of 4 stars). 2 submissions from 2 submitters: Likely benign (2). Last evaluated 2024-04-01.

Allele frequency attached by ClinVar (database versions not stated): gnomAD 0.00001; TOPMed 0.00002.

Submissions (2):

CeGaT Center for Human Genetics Tuebingen
Classification: Likely benign. Last evaluated: 2024-04-01. Review status: criteria provided, single submitter. Criteria: CeGaT Center For Human Genetics Tuebingen Variant Classification Criteria Version 2. Collection method: clinical testing. Allele origin: germline. Affected: yes. Observed: 1 variant allele.
Comment: KIF2A: BP4, BP7

Labcorp Genetics (formerly Invitae), Labcorp
Classification: Likely benign. Last evaluated: 2023-08-04. Review status: criteria provided, single submitter. Criteria: Invitae Variant Classification Sherloc (09022015). Collection method: clinical testing. Allele origin: germline.